The following is an entry in ClinVar:

ClinVar aggregate classification (germline): Uncertain significance. Review status: criteria provided, multiple submitters, no conflicts (2 of 4 stars). 2 submissions from 2 submitters: Uncertain significance (2). Last evaluated 2025-11-07.

Conditions:
Inborn genetic diseases. Identifiers: MedGen C0950123, MeSH D030342.

Allele frequency attached by ClinVar (database versions not stated): ESP Exome Variant Server 0.00031; TOPMed 0.00037; gnomAD exomes 0.00060; gnomAD 0.00029; ExAC 0.00035.
gnomAD v4.1: 902 of 1,611,238 alleles (0.056%); highest among the groups gnomAD compares: South Asian, 0.1%; no homozygotes.

Submissions (2):

GeneDx
Classification: Uncertain significance. Last evaluated: 2025-11-07. Review status: criteria provided, single submitter. Criteria: GeneDx Variant Classification Process June 2021. Collection method: clinical testing. Allele origin: germline.
Comment: In silico analysis suggests that this missense variant does not alter protein structure/function; Has not been previously published as pathogenic or benign to our knowledge

Ambry Genetics
Classification: Uncertain significance for Inborn genetic diseases. Last evaluated: 2024-10-21. Review status: criteria provided, single submitter. Criteria: Ambry Variant Classification Scheme 2023. Collection method: clinical testing. Allele origin: germline.

NM_004667.6(HERC2):c.217A>C (p.Lys73Gln)

Gene: HERC2 (HECT and RLD domain containing E3 ubiquitin protein ligase 2; minus strand). Cytogenetic location: 15q13.1.
Variant type: single nucleotide variant.
Coding change: c.217A>C on transcript NM_004667.6 (MANE Select); coding-DNA position 217, A replaced by C.
Protein change: p.Lys73Gln; replaces lysine 73 with glutamine.
Molecular consequence: missense variant.
Genome position (GRCh38, 1-based): chr15:28,292,993, T>G on the plus strand (A>C on the coding strand, the complement: HERC2 is on the minus strand). VCF-style: chr15-28292993-T-G. GRCh37 (hg19) VCF-style: chr15-28538139-T-G.
Other names: c.217A>C (NM_004667.5); short protein forms K73Q.
Identifiers: ClinVar variation 2375822 (VCV002375822.5), dbSNP rs145883454, ClinGen allele CA267911020.